The following is an entry in ClinVar:

ClinVar aggregate classification (germline): Uncertain significance (1 of 4 stars; one submission).

Conditions:
Hereditary cancer-predisposing syndrome. Also called: Neoplastic Syndromes, Hereditary; Tumor predisposition; Hereditary neoplastic syndrome; Hereditary Cancer Syndrome. Identifiers: Orphanet 140162, MedGen C0027672, MeSH D009386, MONDO:0015356.

Submission:

Ambry Genetics
Classification: Uncertain significance for Hereditary cancer-predisposing syndrome. Last evaluated: 2019-03-19. Review status: criteria provided, single submitter. Criteria: Ambry Variant Classification Scheme 2023. Collection method: clinical testing. Allele origin: germline.
Comment: The p.D180N variant (also known as c.538G>A), located in coding exon 6 of the SMARCE1 gene, results from a G to A substitution at nucleotide position 538. The aspartic acid at codon 180 is replaced by asparagine, an amino acid with highly similar properties. This amino acid position is highly conserved in available vertebrate species. In addition, this alteration is predicted to be tolerated by in silico analysis. Since supporting evidence is limited at this time, the clinical significance of this alteration remains unclear.

NM_003079.5(SMARCE1):c.538G>A (p.Asp180Asn)

Gene: SMARCE1 (SWI/SNF related BAF chromatin remodeling complex subunit E1; minus strand). Cytogenetic location: 17q21.2.
Variant type: single nucleotide variant.
Coding change: c.538G>A on transcript NM_003079.5 (MANE Select); coding-DNA position 538, G replaced by A.
Protein change: p.Asp180Asn; replaces aspartic acid 180 with asparagine.
Molecular consequence: missense variant.
Genome position (GRCh38, 1-based): chr17:40,635,934, C>T on the plus strand (G>A on the coding strand, the complement: SMARCE1 is on the minus strand). VCF-style: chr17-40635934-C-T. GRCh37 (hg19) VCF-style: chr17-38792186-C-T.
Other names: short protein forms D180N.
Identifiers: ClinVar variation 825695 (VCV000825695.4), dbSNP rs1597746024, ClinGen allele CA399366188.
Genomic context (GRCh38, chr17:40,635,934, plus strand): 5'-TCTCATATCTTAACTCACAGAGAAAGCATAAACAAAACCCCACTTTTTTTCTTTTACCAT[C>T]TGGATCTTCAGCAGGCTGAATGCTCATGTACGGTTCTCCTTTCTCCATGCGAGATTGTCT-3'
Protein context (NP_003070.3, residues 170-190): YMSIQPAEDP[Asp180Asn]DYDDGFSMKH